The following is an entry in ClinVar:

ClinVar aggregate classification (germline): Pathogenic/Likely pathogenic. Review status: criteria provided, multiple submitters, no conflicts (2 of 4 stars). 3 submissions from 3 submitters: Pathogenic (1); Likely pathogenic (2). Last evaluated 2024-03-04.

Conditions:
Peroxisome biogenesis disorder 4A (Zellweger) (PBD4A). Also called: Zellweger syndrome spectrum (PEX6-related). Identifiers: Orphanet 912, MedGen C3553936, MONDO:0013930, OMIM 614862. Disease mechanism: loss of function.
Peroxisome biogenesis disorder 4B (PBD4B). Also called: SPINOCEREBELLAR ATAXIA WITH BLINDNESS AND DEAFNESS 1. Identifiers: Orphanet 44, Orphanet 95433, MedGen C3553937, MONDO:0013931, OMIM 614863.
Heimler syndrome 2 (HMLR2). Also called: PEROXISOME BIOGENESIS DISORDER 4C. Identifiers: Orphanet 3220, MedGen C4225267, OMIM 616617, MONDO:0014709.
Peroxisome biogenesis disorder. Identifiers: Orphanet 79189, MedGen C1832200, MONDO:0019234. Disease mechanism: loss of function.

Allele frequency attached by ClinVar (database versions not stated): gnomAD exomes 0.00001.

Submissions (3):

Fulgent Genetics
Classification: Likely pathogenic for Peroxisome biogenesis disorder 4A (Zellweger); Peroxisome biogenesis disorder 4B; Heimler syndrome 2. Last evaluated: 2024-03-04. Review status: criteria provided, single submitter. Criteria: ACMG Guidelines, 2015. Collection method: clinical testing. Allele origin: germline.

Women's Health and Genetics/Laboratory Corporation of America, LabCorp
Classification: Likely pathogenic for Peroxisome biogenesis disorder. Last evaluated: 2023-04-05. Review status: criteria provided, single submitter. Criteria: LabCorp Variant Classification Summary - May 2015. Collection method: clinical testing. Allele origin: germline.
Comment: Variant summary: PEX6 c.727C>T (p.Gln243X) results in a premature termination codon, predicted to cause a truncation of the encoded protein or absence of the protein due to nonsense mediated decay, which are commonly known mechanisms for disease. Truncations downstream of this position have been classified as pathogenic by our laboratory. The variant was absent in 251462 control chromosomes (gnomAD). c.727C>T has been reported in the literature in at least one individual affected with Zellweger Syndrome (Zhang_1999). These data do not allow any conclusion about variant significance. To our knowledge, no experimental evidence demonstrating an impact on protein function has been reported. One ClinVar submitter has assessed the variant since 2014: the variant was classified as pathogenic. Based on the evidence outlined above, the variant was classified as likely pathogenic.

Labcorp Genetics (formerly Invitae), Labcorp
Classification: Pathogenic for Peroxisome biogenesis disorder. Last evaluated: 2022-11-29. Review status: criteria provided, single submitter. Criteria: Invitae Variant Classification Sherloc (09022015). Collection method: clinical testing. Allele origin: germline.
Comment: This sequence change creates a premature translational stop signal (p.Gln243*) in the PEX6 gene. It is expected to result in an absent or disrupted protein product. Loss-of-function variants in PEX6 are known to be pathogenic (PMID: 8670792, 19877282, 21031596). This variant is not present in population databases (gnomAD no frequency). This premature translational stop signal has been observed in individual(s) with a peroxisomal biogenesis disorder (PMID: 10408779). ClinVar contains an entry for this variant (Variation ID: 1069504). For these reasons, this variant has been classified as Pathogenic.

Literature cited by the submitters: PubMed 10408779 (cited by Women's Health and Genetics/Laboratory Corporation of America, LabCorp and Labcorp Genetics (formerly Invitae), Labcorp); PubMed 8670792 (cited by Labcorp Genetics (formerly Invitae), Labcorp); PubMed 19877282 (cited by Labcorp Genetics (formerly Invitae), Labcorp); PubMed 21031596 (cited by Labcorp Genetics (formerly Invitae), Labcorp).

NM_000287.4(PEX6):c.727C>T (p.Gln243Ter)

Gene: PEX6 (peroxisomal biogenesis factor 6; minus strand). Cytogenetic location: 6p21.1.
Variant type: single nucleotide variant.
Coding change: c.727C>T on transcript NM_000287.4 (MANE Select); coding-DNA position 727, C replaced by T.
Protein change: p.Gln243Ter; replaces glutamine 243 with a stop codon.
Molecular consequence: nonsense. On other transcripts: non-coding transcript variant (1), intron variant (1).
Genome position (GRCh38, 1-based): chr6:42,978,424, G>A on the plus strand (C>T on the coding strand, the complement: PEX6 is on the minus strand). VCF-style: chr6-42978424-G-A. GRCh37 (hg19) VCF-style: chr6-42946162-G-A.
Other names: c.618+109C>T (NM_001316313.2); c.727C>T (NM_000287.3); short protein forms Q243*.
Identifiers: ClinVar variation 1069504 (VCV001069504.11), dbSNP rs61753215, ClinGen allele CA138237724.